The following is an entry in ClinVar:

NM_018344.6(SLC29A3):c.271G>A (p.Gly91Arg)

Gene: SLC29A3 (solute carrier family 29 member 3; plus strand). Cytogenetic location: 10q22.1.
Variant type: single nucleotide variant.
Coding change: c.271G>A on transcript NM_018344.6 (MANE Select); coding-DNA position 271, G replaced by A.
Protein change: p.Gly91Arg; replaces glycine 91 with arginine.
Molecular consequence: missense variant. On other transcripts: non-coding transcript variant (2).
Genome position (GRCh38, 1-based): chr10:71,323,025, G>A. VCF-style: chr10-71323025-G-A. GRCh37 (hg19) VCF-style: chr10-73082782-G-A.
Other names: c.271G>A, p.Gly91Arg (NM_001174098.2); c.37G>A, p.Gly13Arg (NM_001363518.2); short protein forms G13R, G91R.
Identifiers: ClinVar variation 1503230 (VCV001503230.6), dbSNP rs772093728, ClinGen allele CA5542860.
Genomic context (GRCh38, chr10:71,323,025, plus strand): 5'-TTTATCACTGCCAAGGAGTACTGGATGTTCAAACTCCGCAACTCCTCCAGCCCAGCCACC[G>A]GGGAGGACCCTGAGGGCTCAGACATCCTGGTAAGGGCATGTTTCTCCTGCAAGGCTGGTG-3'
Protein context (NP_060814.4, residues 81-101): KLRNSSSPAT[Gly91Arg]EDPEGSDILN

ClinVar aggregate classification (germline): Uncertain significance (1 of 4 stars; one submission).

Conditions:
H syndrome. Also called: HISTIOCYTOSIS AND LYMPHADENOPATHY WITH OR WITHOUT CUTANEOUS, CARDIAC, AND/OR ENDOCRINE FEATURES, JOINT CONTRACTURES, AND/OR DEAFNESS; HYPERPIGMENTATION, CUTANEOUS, WITH HYPERTRICHOSIS, HEPATOSPLENOMEGALY, HEART ANOMALIES, AND HYPOGONADISM WITH OR WITHOUT HEARING LOSS; PIGMENTED HYPERTRICHOSIS WITH INSULIN-DEPENDENT DIABETES MELLITUS; ROSAI-DORFMAN DISEASE, FAMILIAL; SINUS HISTIOCYTOSIS AND MASSIVE LYMPHADENOPATHY; Hyperpigmentation, Cutaneous, with Hypertrichosis, Hepatosplenomegaly, Heart Anomalies, Hearing Loss, and Hypogonadism. Identifiers: Orphanet 168569, MedGen C1864445, MONDO:0011273, OMIM 602782.

Allele frequency attached by ClinVar (database versions not stated): ExAC 0.00001; gnomAD exomes 0.00001; TOPMed 0.00002; gnomAD 0.00003.
gnomAD v4.1: 12 of 1,613,572 alleles (0.00074%); highest among the groups gnomAD compares: African/African-American, 0.0067%; no homozygotes.

Submission:

Labcorp Genetics (formerly Invitae), Labcorp
Classification: Uncertain significance for H syndrome. Last evaluated: 2025-09-08. Review status: criteria provided, single submitter. Criteria: Invitae Variant Classification Sherloc (09022015). Collection method: clinical testing. Allele origin: germline.
Comment: This sequence change replaces glycine, which is neutral and non-polar, with arginine, which is basic and polar, at codon 91 of the SLC29A3 protein (p.Gly91Arg). This variant is present in population databases (rs772093728, gnomAD 0.008%). This variant has not been reported in the literature in individuals affected with SLC29A3-related conditions. ClinVar contains an entry for this variant (Variation ID: 1503230). Invitae Evidence Modeling of protein sequence and biophysical properties (such as structural, functional, and spatial information, amino acid conservation, physicochemical variation, residue mobility, and thermodynamic stability) indicates that this missense variant is not expected to disrupt SLC29A3 protein function with a negative predictive value of 95%. In summary, the available evidence is currently insufficient to determine the role of this variant in disease. Therefore, it has been classified as a Variant of Uncertain Significance.